The following is an entry in ClinVar:

ClinVar aggregate classification (germline): Uncertain significance (1 of 4 stars; one submission).

Allele frequency attached by ClinVar (database versions not stated): TOPMed below 0.00001.

Submission:

Labcorp Genetics (formerly Invitae), Labcorp
Classification: Uncertain significance. Last evaluated: 2022-08-27. Review status: criteria provided, single submitter. Criteria: Invitae Variant Classification Sherloc (09022015). Collection method: clinical testing. Allele origin: germline.
Comment: This variant is not present in population databases (gnomAD no frequency). In summary, the available evidence is currently insufficient to determine the role of this variant in disease. Therefore, it has been classified as a Variant of Uncertain Significance. Algorithms developed to predict the effect of sequence changes on RNA splicing suggest that this variant may create or strengthen a splice site. Algorithms developed to predict the effect of missense changes on protein structure and function (SIFT, PolyPhen-2, Align-GVGD) all suggest that this variant is likely to be disruptive. This variant has not been reported in the literature in individuals affected with ERCC5-related conditions. This sequence change replaces serine, which is neutral and polar, with glycine, which is neutral and non-polar, at codon 811 of the ERCC5 protein (p.Ser811Gly).

NM_000123.4(ERCC5):c.2431A>G (p.Ser811Gly)

Genes: BIVM-ERCC5 (BIVM-ERCC5 readthrough; plus strand), ERCC5 (ERCC excision repair 5, endonuclease; plus strand), LOC126861834 (BRD4-independent group 4 enhancer GRCh37_chr13:103518038-103519237; plus strand). Cytogenetic location: 13q33.1.
Variant type: single nucleotide variant.
Coding change: c.2431A>G on transcript NM_000123.4 (MANE Select); coding-DNA position 2431, A replaced by G.
Protein change: p.Ser811Gly; replaces serine 811 with glycine.
Molecular consequence: missense variant.
Genome position (GRCh38, 1-based): chr13:102,866,743, A>G. VCF-style: chr13-102866743-A-G. GRCh37 (hg19) VCF-style: chr13-103519093-A-G.
Other names: c.3793A>G, p.Ser1265Gly (NM_001204425.2); short protein forms S1265G, S811G.
Identifiers: ClinVar variation 2130019 (VCV002130019.2), dbSNP rs1882856096, ClinGen allele CA388576424.